The following is an entry in ClinVar:

ClinVar aggregate classification (germline): Likely benign (0 of 4 stars; one submission).

Conditions:
TJP2-related disorder. Also called: TJP2-related condition.

Submission:

PreventionGenetics, part of Exact Sciences
Classification: Likely benign for TJP2-related condition. Last evaluated: 2022-04-27. Review status: no assertion criteria provided. Collection method: clinical testing. Allele origin: germline.
Comment: This variant is classified as likely benign based on ACMG/AMP sequence variant interpretation guidelines (Richards et al. 2015 PMID: 25741868, with internal and published modifications).

NM_004817.4(TJP2):c.2136C>G (p.Val712=)

Gene: TJP2 (tight junction protein 2; plus strand). Cytogenetic location: 9q21.11.
Variant type: single nucleotide variant.
Coding change: c.2136C>G on transcript NM_004817.4 (MANE Select); coding-DNA position 2136, C replaced by G.
Protein change: p.Val712=; no amino-acid change (valine 712 retained).
Molecular consequence: synonymous variant.
Genome position (GRCh38, 1-based): chr9:69,237,093, C>G. VCF-style: chr9-69237093-C-G. GRCh37 (hg19) VCF-style: chr9-71852009-C-G.
Other names: c.2067C>G, p.Val689= (NM_001170414.2, NM_001369871.1); c.2148C>G, p.Val716= (NM_001170415.1, NM_001369874.1, NM_001369875.1); c.2229C>G, p.Val743= (NM_001170416.2); c.2061C>G, p.Val687= (NM_001369870.1); c.2136C>G, p.Val712= (NM_001369872.1, NM_001369873.1, NM_201629.3).
Identifiers: ClinVar variation 3051383 (VCV003051383.2), dbSNP rs2538581908, ClinGen allele CA465252893.